The following is an entry in ClinVar:

ClinVar aggregate classification (germline): Pathogenic (1 of 4 stars; one submission).

Conditions:
Charcot-Marie-Tooth disease, type I (CMT1). Also called: Charcot-Marie-Tooth disease type 1; Charcot-Marie-Tooth, Type 1. Identifiers: Orphanet 65753, MedGen C0751036, MONDO:0019011.

Submission:

Labcorp Genetics (formerly Invitae), Labcorp
Classification: Pathogenic for Charcot-Marie-Tooth disease, type I. Last evaluated: 2022-11-03. Review status: criteria provided, single submitter. Criteria: Invitae Variant Classification Sherloc (09022015). Collection method: clinical testing. Allele origin: germline.
Comment: For these reasons, this variant has been classified as Pathogenic. This variant has not been reported in the literature in individuals affected with PMP22-related conditions. This variant is not present in population databases (gnomAD no frequency). This sequence change creates a premature translational stop signal (p.Ser47Glnfs*23) in the PMP22 gene. It is expected to result in an absent or disrupted protein product. Loss-of-function variants in PMP22 are known to be pathogenic (PMID: 23224996).

Literature cited by the submitters: PubMed 23224996.

NM_000304.4(PMP22):c.139del (p.Ser47fs)

Gene: PMP22 (peripheral myelin protein 22; minus strand). Cytogenetic location: 17p12.
Variant type: Deletion.
Coding change: c.139del on transcript NM_000304.4 (MANE Select); coding-DNA position 139, one base deleted (T; older notation c.139delT).
Protein change: p.Ser47fs; shifts the reading frame from serine 47.
Molecular consequence: frameshift variant. On other transcripts: non-coding transcript variant (1).
Genome position (GRCh38, 1-based): chr17:15,259,133, A deleted on the plus strand (T on the coding strand, the reverse complement: PMP22 is on the minus strand). VCF-style (leftmost placement, unchanged base first): chr17-15259132-GA-G. GRCh37 (hg19) VCF-style: chr17-15162449-GA-G.
Other names: c.139del, p.Ser47fs (NM_001281455.2, NM_001281456.2, NM_001330143.2 and 2 more transcripts); short protein forms S47fs.
Identifiers: ClinVar variation 2811688 (VCV002811688.3), dbSNP rs2508211771, ClinGen allele CA2739267167.